The following is an entry in ClinVar:

ClinVar aggregate classification (germline): Uncertain significance. Review status: criteria provided, multiple submitters, no conflicts (2 of 4 stars). 2 submissions from 2 submitters: Uncertain significance (2). Last evaluated 2025-06-15.

Conditions:
Dilated cardiomyopathy 1JJ (CMD1JJ). Identifiers: Orphanet 154, MedGen C3808935, MONDO:0014095, OMIM 615235.
Cardiovascular phenotype. Identifiers: MedGen CN230736.

Allele frequency attached by ClinVar (database versions not stated): TOPMed below 0.00001; ExAC 0.00001; gnomAD 0.00001; gnomAD exomes 0.00001.
gnomAD v4.1: 9 of 1,613,978 alleles (0.00056%); highest among the groups gnomAD compares: African/African-American, 0.0013%; no homozygotes.

Submissions (2):

Ambry Genetics
Classification: Uncertain significance for Cardiovascular phenotype. Last evaluated: 2025-06-15. Review status: criteria provided, single submitter. Criteria: Ambry Variant Classification Scheme 2023. Collection method: clinical testing. Allele origin: germline.
Comment: The p.D605N variant (also known as c.1813G>A), located in coding exon 14 of the LAMA4 gene, results from a G to A substitution at nucleotide position 1813. The aspartic acid at codon 605 is replaced by asparagine, an amino acid with highly similar properties. This amino acid position is conserved. In addition, this alteration is predicted to be tolerated by in silico analysis. Since supporting evidence is limited at this time, the clinical significance of this alteration remains unclear.

Labcorp Genetics (formerly Invitae), Labcorp
Classification: Uncertain significance for Dilated cardiomyopathy 1JJ. Last evaluated: 2024-05-31. Review status: criteria provided, single submitter. Criteria: Invitae Variant Classification Sherloc (09022015). Collection method: clinical testing. Allele origin: germline.
Comment: This sequence change replaces aspartic acid, which is acidic and polar, with asparagine, which is neutral and polar, at codon 605 of the LAMA4 protein (p.Asp605Asn). This variant is present in population databases (rs201484136, gnomAD 0.007%). This variant has not been reported in the literature in individuals affected with LAMA4-related conditions. ClinVar contains an entry for this variant (Variation ID: 1019944). An algorithm developed to predict the effect of missense changes on protein structure and function (PolyPhen-2) suggests that this variant is likely to be disruptive. In summary, the available evidence is currently insufficient to determine the role of this variant in disease. Therefore, it has been classified as a Variant of Uncertain Significance.

NM_001105206.3(LAMA4):c.1834G>A (p.Asp612Asn)

Gene: LAMA4 (laminin subunit alpha 4; minus strand). Cytogenetic location: 6q21.
Variant type: single nucleotide variant.
Coding change: c.1834G>A on transcript NM_001105206.3 (MANE Select); coding-DNA position 1834, G replaced by A.
Protein change: p.Asp612Asn; replaces aspartic acid 612 with asparagine.
Molecular consequence: missense variant.
Genome position (GRCh38, 1-based): chr6:112,155,690, C>T on the plus strand (G>A on the coding strand, the complement: LAMA4 is on the minus strand). VCF-style: chr6-112155690-C-T. GRCh37 (hg19) VCF-style: chr6-112476892-C-T.
Other names: c.1813G>A (NM_002290.3); c.1813G>A, p.Asp605Asn (NM_001105207.3, NM_002290.5); short protein forms D605N, D612N.
Identifiers: ClinVar variation 1019944 (VCV001019944.11), dbSNP rs201484136, ClinGen allele CA3965654.